The following is an entry in ClinVar:

NM_058216.3(RAD51C):c.635G>A (p.Arg212His)

Genes: RAD51C (RAD51 paralog C; plus strand), LOC129390903 (MPRA-validated peak2919 silencer; plus strand). Cytogenetic location: 17q22.
Variant type: single nucleotide variant.
Coding change: c.635G>A on transcript NM_058216.3 (MANE Select); coding-DNA position 635, G replaced by A.
Protein change: p.Arg212His; replaces arginine 212 with histidine.
Molecular consequence: missense variant. On other transcripts: non-coding transcript variant (1).
Genome position (GRCh38, 1-based): chr17:58,703,259, G>A. VCF-style: chr17-58703259-G-A. GRCh37 (hg19) VCF-style: chr17-56780620-G-A.
Other names: short protein forms R212H.
Identifiers: ClinVar variation 187633 (VCV000187633.62), dbSNP rs200857129, ClinGen allele CA198151.

ClinVar aggregate classification (germline): Conflicting classifications of pathogenicity. Review status: criteria provided, conflicting classifications (1 of 4 stars). 16 submissions from 15 submitters: Uncertain significance (11); Likely benign (2). 3 of the submissions do not count toward it. Last evaluated 2026-07-10.

Conditions:
RAD51C-related disorder. Also called: RAD51C-related condition; RAD51C-related disorders.
Hereditary cancer-predisposing syndrome. Also called: Tumor predisposition; Neoplastic Syndromes, Hereditary; Hereditary Cancer Syndrome; Hereditary neoplastic syndrome. Identifiers: Orphanet 140162, MedGen C0027672, MeSH D009386, MONDO:0015356.
Fanconi anemia complementation group O. Also called: RAD51C-Related Fanconi Anemia. Identifiers: Orphanet 84, MedGen C3150653, MONDO:0013248, OMIM 613390.
Breast-ovarian cancer, familial, susceptibility to, 3. Also called: RAD51C-Related Breast/Ovarian Cancer. Identifiers: Orphanet 145, MedGen C3150659, MONDO:0013253, OMIM 613399.
Ovarian cancer. Also called: OVARIAN CANCER, SOMATIC. Identifiers: Orphanet 213500, MedGen C1140680, MONDO:0008170, OMIM 167000.
Hereditary breast ovarian cancer syndrome. Also called: Hereditary breast and ovarian cancer; Hereditary breast and ovarian cancer syndrome (HBOC); Breast and ovarian cancer; Hereditary breast and/or ovarian cancer syndrome; BRCA1- and BRCA2-Associated Hereditary Breast and Ovarian Cancer; Hereditary breast and ovarian cancer syndrome. Identifiers: Orphanet 145, MedGen C0677776, MeSH D061325, MONDO:0003582. Disease mechanism: loss of function.

Allele frequency attached by ClinVar (database versions not stated): gnomAD exomes 0.00002 and 0.00008; gnomAD 0.00004 and 0.00005; TOPMed 0.00006; ExAC 0.00007; 1000 Genomes Project 0.00020; 1000 Genomes Project 30x 0.00031.
gnomAD v4.1: 38 of 1,607,512 alleles (0.0024%); highest among the groups gnomAD compares: East Asian, 0.031%; 1 homozygote.

Submissions 1 to 9 of 16:

PreventionGenetics, part of Exact Sciences
Classification: Uncertain significance for RAD51C-related condition. Last evaluated: 2026-07-10. Review status: criteria provided, single submitter. Criteria: ACMG Guidelines, 2015. Collection method: clinical testing. Allele origin: germline.
Comment: The RAD51C c.635G>A variant is predicted to result in the amino acid substitution p.Arg212His. This variant has been reported in multiple individuals with a personal and/or family history of breast and/or ovarian cancer (for example, see Wong et al. 2016. PubMed ID: 29263802; Table S2, Wang et al. 2019. PubMed ID: 30982232; Table S1, Lim et al. 2022. PubMed ID: 35039523). However, it has been identified at similar frequencies in breast cancer cases and controls in at least two studies (Pang et al. 2011. PubMed ID: 21597919; Supplemental Data, Breast Cancer Association Consortium et al. 2021. PubMed ID: 33471991). In vitro experimental studies are either inconclusive or describe this variant as being functionally neutral (Kolinjivadi et al. 2023. PubMed ID: 36562461; Table S1, Hu et al. 2023. PubMed ID: 37253112). This variant is reported in 0.090% of alleles in individuals of East Asian descent in gnomAD and has conflicting interpretations in ClinVar ranging from uncertain to likely benign (Variation ID: 187633). At this time, the clinical significance of this variant is uncertain due to the absence of conclusive functional and genetic evidence.

Labcorp Genetics (formerly Invitae), Labcorp
Classification: Uncertain significance for Fanconi anemia complementation group O. Last evaluated: 2026-01-26. Review status: criteria provided, single submitter. Criteria: Invitae Variant Classification Sherloc (09022015). Collection method: clinical testing. Allele origin: germline.
Comment: This sequence change replaces arginine, which is basic and polar, with histidine, which is basic and polar, at codon 212 of the RAD51C protein (p.Arg212His). This variant is present in population databases (rs200857129, gnomAD 0.09%). This missense change has been observed in individual(s) with breast cancer and clinical features of Lynch syndrome (PMID: 21597919, 25980754, 29263802, 36562461). ClinVar contains an entry for this variant (Variation ID: 187633). Invitae Evidence Modeling of protein sequence and biophysical properties (such as structural, functional, and spatial information, amino acid conservation, physicochemical variation, residue mobility, and thermodynamic stability) indicates that this missense variant is not expected to disrupt RAD51C protein function with a negative predictive value of 80%. Experimental studies have shown that this missense change does not substantially affect RAD51C function (PMID: 37253112). In summary, the available evidence is currently insufficient to determine the role of this variant in disease. Therefore, it has been classified as a Variant of Uncertain Significance.

Color Diagnostics, LLC DBA Color Health
Classification: Uncertain significance for Hereditary cancer-predisposing syndrome. Last evaluated: 2025-02-19. Review status: criteria provided, single submitter. Criteria: ACMG Guidelines, 2015. Collection method: clinical testing. Allele origin: germline.
Comment: This missense variant replaces arginine with histidine at codon 212 of the RAD51C protein. Computational prediction is inconclusive regarding the impact of this variant on protein structure and function. Functional studies were inconclusive for this variants impact on sensitivity to mitomycin C, etoposide and PARP inhibition (PMID: 36562461). This variant has been reported in individuals affected with breast cancer and Lynch syndrome-associated cancer and/or colorectal polyps (PMID: 21597919, 25980754, 36562461). In a large breast cancer case-control study, this variant was observed in 9/60466 cases and 10/53461 unaffected controls, and did not show significant association with breast cancer (OR=0.796, 95%CI 0.323 to 1.958, p-value=0.652; PMID: 33471991). This variant has been identified in 25/282612 chromosomes in the general population by the Genome Aggregation Database (gnomAD). The available evidence is insufficient to determine the role of this variant in disease conclusively. Therefore, this variant is classified as a Variant of Uncertain Significance.

CeGaT Center for Human Genetics Tuebingen
Classification: Uncertain significance. Last evaluated: 2024-10-01. Review status: criteria provided, single submitter. Criteria: CeGaT Center For Human Genetics Tuebingen Variant Classification Criteria Version 2. Collection method: clinical testing. Allele origin: germline. Affected: yes. Observed: 2 variant alleles.

Fulgent Genetics
Classification: Uncertain significance for Fanconi anemia complementation group O; Breast-ovarian cancer, familial, susceptibility to, 3. Last evaluated: 2024-04-20. Review status: criteria provided, single submitter. Criteria: ACMG Guidelines, 2015. Collection method: clinical testing. Allele origin: germline.

GeneDx
Classification: Uncertain significance. Last evaluated: 2023-06-29. Review status: criteria provided, single submitter. Criteria: GeneDx Variant Classification Process June 2021. Collection method: clinical testing. Allele origin: germline. Affected: yes.
Comment: In silico analysis supports that this missense variant has a deleterious effect on protein structure/function; Published functional studies demonstrate reduced cell viability and double-strand break repair (Kolinjivadi et al., 2022); Observed in individuals with breast cancer or other cancers, but also observed in controls (Pang et al., 2011; Yurgelun et al., 2015; Wong et al., 2016; Pritchard et al., 2018; Wang et al., 2019; Kwong et al., 2020; Akcay et al., 2020; Dorling et al., 2021; Kolinjivadi et al., 2022; Lim et al., 2022; Zheng et al., 2022); This variant is associated with the following publications: (PMID: 29263802, 25980754, 21597919, 25338684, 34426522, 14704354, 34284872, 32566746, 36562461, 33471991, 29641532, 30982232, 32068069, 32658311, 35057767, 35039523)

Myriad Genetics, Inc.
Classification: Likely benign for Breast-ovarian cancer, familial, susceptibility to, 3. Last evaluated: 2023-04-05. Review status: criteria provided, single submitter. Criteria: Myriad Autosomal Dominant, Autosomal Recessive and X-Linked Classification Criteria (2023). Collection method: clinical testing. Allele origin: unknown.
Comment: This variant is considered likely benign. This variant is strongly associated with less severe personal and family histories of cancer, typical for individuals without pathogenic variants in this gene [PMID: 25085752].

Women's Health and Genetics/Laboratory Corporation of America, LabCorp
Classification: Uncertain significance. Last evaluated: 2022-09-02. Review status: criteria provided, single submitter. Criteria: LabCorp Variant Classification Summary - May 2015. Collection method: clinical testing. Allele origin: germline.
Comment: Variant summary: RAD51C c.635G>A (p.Arg212His) results in a non-conservative amino acid change located in the ATP-binding domain of the encoded protein sequence. Four of five in-silico tools predict a damaging effect of the variant on protein function. The variant allele was found at a frequency of 9.1e-05 in 252186 control chromosomes (gnomAD and publication). The observed variant frequency is approximately equal to the estimated maximal expected allele frequency for a pathogenic variant in RAD51C causing Hereditary Breast And Ovarian Cancer Syndrome phenotype (6.3e-05), suggesting that the variant may be benign. c.635G>A has been reported in the literature in individuals affected with cancer including breast cancer, Lynch syndrome and cutaneous melanoma (e.g. Pang_2011, Wong_2015, Yurgelun_2015, Pritchard_2018, Wang_2019, Kwong_2020, Akcay_2021, Krivokuca_2021, Lim_2022). These reports do not provide unequivocal conclusions about association of the variant with Hereditary Breast And Ovarian Cancer Syndrome. To our knowledge, no experimental evidence demonstrating an impact on protein function has been reported. Nine ClinVar submitters (evaluation after 2014) cite the variant as uncertain significance. Based on the evidence outlined above, the variant was classified as VUS-possibly benign.

Ambry Genetics
Classification: Likely benign for Hereditary cancer-predisposing syndrome. Last evaluated: 2022-06-07. Review status: criteria provided, single submitter. Criteria: Ambry Variant Classification Scheme 2023. Collection method: clinical testing. Allele origin: germline.